The following is an entry in ClinVar:

ClinVar aggregate classification (germline): Conflicting classifications of pathogenicity. Review status: criteria provided, conflicting classifications (1 of 4 stars). 4 submissions from 4 submitters: Uncertain significance (1); Benign (1); Likely benign (2). Last evaluated 2026-08-11.

Conditions:
SLC29A3-related disorder. Also called: SLC29A3-related condition.
H syndrome. Also called: Asrar Facharzt Haque syndrome; Pigmented hypertrichosis and insulin-dependent diabetes mellitus; HISTIOCYTOSIS AND LYMPHADENOPATHY WITH OR WITHOUT CUTANEOUS, CARDIAC, AND/OR ENDOCRINE FEATURES, JOINT CONTRACTURES, AND/OR DEAFNESS; HYPERPIGMENTATION, CUTANEOUS, WITH HYPERTRICHOSIS, HEPATOSPLENOMEGALY, HEART ANOMALIES, AND HYPOGONADISM WITH OR WITHOUT HEARING LOSS; PIGMENTED HYPERTRICHOSIS WITH INSULIN-DEPENDENT DIABETES MELLITUS; ROSAI-DORFMAN DISEASE, FAMILIAL. Identifiers: Orphanet 168569, MedGen C1864445, MONDO:0011273, OMIM 602782.

Allele frequency attached by ClinVar (database versions not stated): gnomAD 0.00019 and 0.00024; gnomAD exomes 0.00019 and 0.00073; TOPMed 0.00025; ExAC 0.00071; 1000 Genomes Project 30x 0.00109; 1000 Genomes Project 0.00120.
gnomAD v4.1: 304 of 1,614,132 alleles (0.019%); highest among the groups gnomAD compares: East Asian, 0.61%; 1 homozygote.

Submissions (4):

PreventionGenetics, part of Exact Sciences
Classification: Likely benign for SLC29A3-related condition. Last evaluated: 2026-08-11. Review status: criteria provided, single submitter. Criteria: ACMG Guidelines, 2015. Collection method: clinical testing. Allele origin: germline.
Comment: This variant is classified as likely benign based on ACMG/AMP sequence variant interpretation guidelines (Richards et al. 2015 PMID: 25741868, with internal and published modifications).

Labcorp Genetics (formerly Invitae), Labcorp
Classification: Benign for H syndrome. Last evaluated: 2025-12-01. Review status: criteria provided, single submitter. Criteria: Invitae Variant Classification Sherloc (09022015). Collection method: clinical testing. Allele origin: germline.

Blueprint Genetics
Classification: Uncertain significance. Last evaluated: 2024-07-23. Review status: criteria provided, single submitter. Criteria: ACMG Guidelines, 2015. Collection method: clinical testing. Allele origin: germline.

Illumina Laboratory Services, Illumina
Classification: Likely benign for H syndrome. Last evaluated: 2018-01-12. Review status: criteria provided, single submitter. Criteria: ICSL Variant Classification Criteria 13 December 2019. Collection method: clinical testing. Allele origin: germline.
Comment: This variant was observed in the ICSL laboratory as part of a predisposition screen in an ostensibly healthy population. It had not been previously curated by ICSL or reported in the Human Gene Mutation Database (HGMD: prior to June 1st, 2018), and was therefore a candidate for classification through an automated scoring system. Utilizing variant allele frequency, disease prevalence and penetrance estimates, and inheritance mode, an automated score was calculated to assess if this variant is too frequent to cause the disease. Based on the score and internal cut-off values, a variant classified as likely benign is not then subjected to further curation. The score for this variant resulted in a classification of likely benign for this disease.

NM_018344.6(SLC29A3):c.640G>A (p.Val214Met)

Gene: SLC29A3 (solute carrier family 29 member 3; plus strand). Cytogenetic location: 10q22.1.
Variant type: single nucleotide variant.
Coding change: c.640G>A on transcript NM_018344.6 (MANE Select); coding-DNA position 640, G replaced by A.
Protein change: p.Val214Met; replaces valine 214 with methionine.
Molecular consequence: missense variant. On other transcripts: non-coding transcript variant (2).
Genome position (GRCh38, 1-based): chr10:71,356,110, G>A. VCF-style: chr10-71356110-G-A. GRCh37 (hg19) VCF-style: chr10-73115867-G-A.
Other names: c.640G>A, p.Val214Met (NM_001174098.2); c.406G>A, p.Val136Met (NM_001363518.2); short protein forms V136M, V214M.
Identifiers: ClinVar variation 708082 (VCV000708082.16), dbSNP rs200339271, ClinGen allele CA5543010.